The following is an entry in ClinVar:

ClinVar aggregate classification (germline): Uncertain significance (1 of 4 stars; one submission).

Conditions:
Hereditary cancer-predisposing syndrome. Also called: Neoplastic Syndromes, Hereditary; Tumor predisposition; Hereditary neoplastic syndrome; Hereditary Cancer Syndrome. Identifiers: Orphanet 140162, MedGen C0027672, MeSH D009386, MONDO:0015356.

Submission:

Ambry Genetics
Classification: Uncertain significance for Hereditary cancer-predisposing syndrome. Last evaluated: 2023-11-11. Review status: criteria provided, single submitter. Criteria: Ambry Variant Classification Scheme 2023. Collection method: clinical testing. Allele origin: germline.
Comment: The p.M875V variant (also known as c.2623A>G), located in coding exon 4 of the MSH6 gene, results from an A to G substitution at nucleotide position 2623. The methionine at codon 875 is replaced by valine, an amino acid with highly similar properties. This amino acid position is conserved. In addition, this alteration is predicted to be tolerated by in silico analysis. Since supporting evidence is limited at this time, the clinical significance of this alteration remains unclear.

NM_000179.3(MSH6):c.2623A>G (p.Met875Val)

Gene: MSH6 (mutS homolog 6; plus strand). Cytogenetic location: 2p16.3.
Variant type: single nucleotide variant.
Coding change: c.2623A>G on transcript NM_000179.3 (MANE Select); coding-DNA position 2623, A replaced by G.
Protein change: p.Met875Val; replaces methionine 875 with valine.
Molecular consequence: missense variant. On other transcripts: non-coding transcript variant (5), intron variant (3).
Genome position (GRCh38, 1-based): chr2:47,800,606, A>G. VCF-style: chr2-47800606-A-G. GRCh37 (hg19) VCF-style: chr2-48027745-A-G.
Other names: c.2233A>G, p.Met745Val (NM_001281492.2); c.1717A>G, p.Met573Val (NM_001281493.2, NM_001281494.2, NM_001406811.1 and 6 more transcripts); c.2719A>G, p.Met907Val (NM_001406795.1, NM_001406802.1); c.2623A>G, p.Met875Val (NM_001406796.1, NM_001406798.1, NM_001406800.1 and 2 more transcripts); c.2326A>G, p.Met776Val (NM_001406797.1, NM_001406801.1, NM_001406805.1 and 10 more transcripts); c.2098A>G, p.Met700Val (NM_001406799.1, NM_001406806.1, NM_001406807.1); c.2545A>G, p.Met849Val (NM_001406804.1); c.2629A>G, p.Met877Val (NM_001406813.1); and 4 more; short protein forms M573V, M700V, M745V, M776V, M819V, M849V, M875V, M877V.
Identifiers: ClinVar variation 3230536 (VCV003230536.1), dbSNP rs2104415679, ClinGen allele CA346755039.
Genomic context (GRCh38, chr2:47,800,606, plus strand): 5'-ATTATTGATTTTCTTTCTGCTCTGGAAGGATTCAAAGTAATGTGTAAAATTATAGGGATC[A>G]TGGAAGAAGTTGCTGATGGTTTTAAGTCTAAAATCCTTAAGCAGGTCATCTCTCTGCAGA-3'
Protein context (NP_000170.1, residues 865-885): FKVMCKIIGI[Met875Val]EEVADGFKSK